The following is an entry in ClinVar:

ClinVar aggregate classification (germline): Likely benign (0 of 4 stars; one submission).

Conditions:
CAPN12-related disorder. Also called: CAPN12-related condition.

Submission:

PreventionGenetics, part of Exact Sciences
Classification: Likely benign for CAPN12-related condition. Last evaluated: 2019-02-25. Review status: no assertion criteria provided. Collection method: clinical testing. Allele origin: germline.
Comment: This variant is classified as likely benign based on ACMG/AMP sequence variant interpretation guidelines (Richards et al. 2015 PMID: 25741868, with internal and published modifications).

NM_144691.4(CAPN12):c.1236A>C (p.Ala412=)

Gene: CAPN12 (calpain 12; minus strand). Cytogenetic location: 19q13.2.
Variant type: single nucleotide variant.
Coding change: c.1236A>C on transcript NM_144691.4 (MANE Select); coding-DNA position 1236, A replaced by C.
Protein change: p.Ala412=; no amino-acid change (alanine 412 retained).
Molecular consequence: synonymous variant.
Genome position (GRCh38, 1-based): chr19:38,737,282, T>G on the plus strand (A>C on the coding strand, the complement: CAPN12 is on the minus strand). VCF-style: chr19-38737282-T-G. GRCh37 (hg19) VCF-style: chr19-39227922-T-G.
Identifiers: ClinVar variation 3056534 (VCV003056534.2), dbSNP rs1321861720, ClinGen allele CA507356577.